The following is an entry in ClinVar:

NM_006623.4(PHGDH):c.1307G>T (p.Gly436Val)

Gene: PHGDH (phosphoglycerate dehydrogenase; plus strand). Cytogenetic location: 1p12.
Variant type: single nucleotide variant.
Coding change: c.1307G>T on transcript NM_006623.4 (MANE Select); coding-DNA position 1307, G replaced by T.
Protein change: p.Gly436Val; replaces glycine 436 with valine.
Molecular consequence: missense variant.
Genome position (GRCh38, 1-based): chr1:119,742,904, G>T. VCF-style: chr1-119742904-G-T. GRCh37 (hg19) VCF-style: chr1-120285527-G-T.
Other names: short protein forms G436V.
Identifiers: ClinVar variation 1468390 (VCV001468390.8), dbSNP rs1571020741, ClinGen allele CA341853679.

ClinVar aggregate classification (germline): Uncertain significance (1 of 4 stars; one submission).

Conditions:
PHGDH deficiency. Identifiers: Orphanet 79351, MedGen C1866174, MONDO:0011152, OMIM 601815.

Submission:

Labcorp Genetics (formerly Invitae), Labcorp
Classification: Uncertain significance for PHGDH deficiency. Last evaluated: 2021-02-11. Review status: criteria provided, single submitter. Criteria: Invitae Variant Classification Sherloc (09022015). Collection method: clinical testing. Allele origin: germline.
Comment: In summary, the available evidence is currently insufficient to determine the role of this variant in disease. Therefore, it has been classified as a Variant of Uncertain Significance. This variant has not been reported in the literature in individuals with PHGDH-related conditions. Algorithms developed to predict the effect of missense changes on protein structure and function are either unavailable or do not agree on the potential impact of this missense change (SIFT: "Tolerated"; PolyPhen-2: "Probably Damaging"; Align-GVGD: "Class C0"). This variant is not present in population databases (ExAC no frequency). This sequence change replaces glycine with valine at codon 436 of the PHGDH protein (p.Gly436Val). The glycine residue is weakly conserved and there is a moderate physicochemical difference between glycine and valine.